The following is an entry in ClinVar:

NM_001042492.3(NF1):c.5179C>T (p.Pro1727Ser)

Gene: NF1 (neurofibromin 1; plus strand). Cytogenetic location: 17q11.2.
Variant type: single nucleotide variant.
Coding change: c.5179C>T on transcript NM_001042492.3 (MANE Select); coding-DNA position 5179, C replaced by T.
Protein change: p.Pro1727Ser; replaces proline 1727 with serine.
Molecular consequence: missense variant.
Genome position (GRCh38, 1-based): chr17:31,326,163, C>T. VCF-style: chr17-31326163-C-T. GRCh37 (hg19) VCF-style: chr17-29653181-C-T.
Other names: c.5116C>T, p.Pro1706Ser (NM_000267.4); short protein forms P1727S, P1706S.
Identifiers: ClinVar variation 1745436 (VCV001745436.2), dbSNP rs752480888, ClinGen allele CA8487144.

ClinVar aggregate classification (germline): Uncertain significance (1 of 4 stars; one submission).

Conditions:
Cardiovascular phenotype. Identifiers: MedGen CN230736.
Hereditary cancer-predisposing syndrome. Also called: Hereditary Cancer Syndrome; Neoplastic Syndromes, Hereditary; Tumor predisposition; Hereditary neoplastic syndrome. Identifiers: Orphanet 140162, MedGen C0027672, MeSH D009386, MONDO:0015356.

Allele frequency attached by ClinVar (database versions not stated): gnomAD exomes below 0.00001; ExAC 0.00001.
gnomAD v4.1: 3 of 1,612,918 alleles (0.00019%); highest among the groups gnomAD compares: East Asian, 0.0022%; no homozygotes.

Submission:

Ambry Genetics
Classification: Uncertain significance for Cardiovascular phenotype; Hereditary cancer-predisposing syndrome. Last evaluated: 2022-03-02. Review status: criteria provided, single submitter. Criteria: Ambry Variant Classification Scheme 2023. Collection method: clinical testing. Allele origin: germline.
Comment: The p.P1706S variant (also known as c.5116C>T), located in coding exon 36 of the NF1 gene, results from a C to T substitution at nucleotide position 5116. The proline at codon 1706 is replaced by serine, an amino acid with similar properties. This amino acid position is highly conserved in available vertebrate species. In addition, the in silico prediction for this alteration is inconclusive. Since supporting evidence is limited at this time, the clinical significance of this alteration remains unclear.